The following is an entry in ClinVar:

ClinVar aggregate classification (germline): Conflicting classifications of pathogenicity. Review status: criteria provided, conflicting classifications (1 of 4 stars). 6 submissions from 6 submitters: Uncertain significance (4); Likely benign (1). 1 of the submissions does not count toward it. Last evaluated 2025-03-26.

Conditions:
Maturity-onset diabetes of the young (MODY). Also called: Maturity onset diabetes mellitus in young. Identifiers: Orphanet 552, MedGen C0342276, MONDO:0018911, HP:0004904.
Permanent neonatal diabetes mellitus (PNDM). Identifiers: Orphanet 99885, MedGen C1833104, MONDO:0100164, MONDO:0011643. Disease mechanism: gain of function.
KCNJ11-related disorder. Also called: KCNJ11-related disorders; KCNJ11-related condition.
Hyperinsulinemic hypoglycemia, familial, 2. Also called: HYPERINSULINEMIC HYPOGLYCEMIA, PERSISTENT; HYPERINSULINISM, NEONATAL. Identifiers: Orphanet 276580, Orphanet 276603, MedGen C2931833, MONDO:0011153, OMIM 601820. Disease mechanism: loss of function.
Diabetes mellitus, transient neonatal, 3 (TNDM3). Identifiers: Orphanet 99886, MedGen C1864623, MONDO:0012522, OMIM 610582. Disease mechanism: loss of function.
Diabetes mellitus, permanent neonatal 2. Also called: KCNJ11-Related Permanent Neonatal Diabetes Mellitus. Identifiers: MedGen C5394296, MONDO:0030087, OMIM 618856.
Maturity-onset diabetes of the young type 13. Also called: MODY, TYPE 13. Identifiers: Orphanet 552, MedGen C4225365, MONDO:0014589, OMIM 616329.
Type 2 diabetes mellitus. Also called: Type II diabetes mellitus. Identifiers: MedGen C0011860, MeSH D003924, MONDO:0005148, OMIM 125853, HP:0005978.

Allele frequency attached by ClinVar (database versions not stated): TOPMed 0.00006; gnomAD 0.00007 and 0.00008.

Submissions (6):

PreventionGenetics, part of Exact Sciences
Classification: Uncertain significance for KCNJ11-related condition. Last evaluated: 2025-03-26. Review status: criteria provided, single submitter. Criteria: ACMG Guidelines, 2015. Collection method: clinical testing. Allele origin: germline.
Comment: The KCNJ11 c.1117G>A variant is predicted to result in the amino acid substitution p.Val373Met. This variant has been reported in an individual with maturity-onset diabetes of the young (MODY; Table 1, Yalçıntepe et al. 2021. PubMed ID: 33565752). This variant is reported in 0.0093% of alleles in individuals of European (Non-Finnish) descent in gnomAD. At this time, the clinical significance of this variant is uncertain due to the absence of conclusive functional and genetic evidence.

Blueprint Genetics
Classification: Uncertain significance. Last evaluated: 2024-06-21. Review status: criteria provided, single submitter. Criteria: ACMG Guidelines, 2015. Collection method: clinical testing. Allele origin: germline.

Fulgent Genetics
Classification: Uncertain significance for Type 2 diabetes mellitus; Hyperinsulinemic hypoglycemia, familial, 2; Diabetes mellitus, transient neonatal, 3; Maturity-onset diabetes of the young type 13; Diabetes mellitus, permanent neonatal 2. Last evaluated: 2024-04-29. Review status: criteria provided, single submitter. Criteria: ACMG Guidelines, 2015. Collection method: clinical testing. Allele origin: germline.

Labcorp Genetics (formerly Invitae), Labcorp
Classification: Likely benign. Last evaluated: 2024-04-10. Review status: criteria provided, single submitter. Criteria: Invitae Variant Classification Sherloc (09022015). Collection method: clinical testing. Allele origin: germline.

Clinical Genomics, Uppaluri K&H Personalized Medicine Clinic
Classification: Uncertain significance for Maturity-onset diabetes of the young. Review status: criteria provided, single submitter. Criteria: K&H Uppaluri Personalized Medicine Clinic Variant Classification & Assertion Criteria. Collection method: research. Allele origin: somatic. Inheritance: Autosomal dominant inheritance.
Comment: Mutations in KCNJ11 gene can cause decreased production and secretion of insulin. This can lead to MODY which may be responsive to oral sulfonylureas. It is also associated with Neonatal Diabetes. However, no sufficient evidence is found to ascertain the role of rs770375846 variant in MODY yet.

Natera, Inc.
Classification: Uncertain significance for Permanent neonatal diabetes mellitus. Last evaluated: 2020-09-27. Review status: no assertion criteria provided. Collection method: clinical testing. Allele origin: germline. Not counted in ClinVar's aggregate classification.

Literature cited by the submitters: PubMed 26448950 (cited by Clinical Genomics, Uppaluri K&H Personalized Medicine Clinic); PubMed 15580558 (cited by Clinical Genomics, Uppaluri K&H Personalized Medicine Clinic); PubMed 15718250 (cited by Clinical Genomics, Uppaluri K&H Personalized Medicine Clinic); PubMed 32935446 (cited by Clinical Genomics, Uppaluri K&H Personalized Medicine Clinic); PubMed 22701567 (cited by Clinical Genomics, Uppaluri K&H Personalized Medicine Clinic).

NM_000525.4(KCNJ11):c.1117G>A (p.Val373Met)

Gene: KCNJ11 (potassium inwardly rectifying channel subfamily J member 11; minus strand). Cytogenetic location: 11p15.1.
Variant type: single nucleotide variant.
Coding change: c.1117G>A on transcript NM_000525.4 (MANE Select); coding-DNA position 1117, G replaced by A.
Protein change: p.Val373Met; replaces valine 373 with methionine.
Molecular consequence: missense variant.
Genome position (GRCh38, 1-based): chr11:17,386,975, C>T on the plus strand (G>A on the coding strand, the complement: KCNJ11 is on the minus strand). VCF-style: chr11-17386975-C-T. GRCh37 (hg19) VCF-style: chr11-17408522-C-T.
Other names: c.1117G>A (NM_000525.3); c.856G>A, p.Val286Met (NM_001166290.2, NM_001377296.1, NM_001377297.1); short protein forms V286M, V373M.
Identifiers: ClinVar variation 992023 (VCV000992023.13), dbSNP rs770375846, ClinGen allele CA5902175.
Genomic context (GRCh38, chr11:17,386,975, plus strand): 5'-TGGCTCAGGACAGGGAATCTGGAGAGATGCTGAACTTGGGCTTGGCCTTGGCCATGGGCA[C>T]GCTGCGCTTGCGCAGGGGCCCGCGGGCTGAGGCGAGGGTCAGAGCTTCCAGTAGGCTGTG-3'
Protein context (NP_000516.3, residues 363-383): SARGPLRKRS[Val373Met]PMAKAKPKFS